The following is an entry in ClinVar:

NM_020831.6(MRTFA):c.326C>A (p.Ala109Glu)

Gene: MRTFA (myocardin related transcription factor A; minus strand). Cytogenetic location: 22q13.1.
Variant type: single nucleotide variant.
Coding change: c.326C>A on transcript NM_020831.6 (MANE Select); coding-DNA position 326, C replaced by A.
Protein change: p.Ala109Glu; replaces alanine 109 with glutamic acid.
Molecular consequence: missense variant.
Genome position (GRCh38, 1-based): chr22:40,435,536, G>T on the plus strand (C>A on the coding strand, the complement: MRTFA is on the minus strand). VCF-style: chr22-40435536-G-T. GRCh37 (hg19) VCF-style: chr22-40831540-G-T.
Other names: c.26C>A, p.Ala9Glu (NM_001282660.2); c.326C>A, p.Ala109Glu (NM_001282661.3, NM_001282662.3); c.131C>A, p.Ala44Glu (NM_001318139.2); short protein forms A44E, A9E, A109E.
Identifiers: ClinVar variation 2696908 (VCV002696908.3), dbSNP rs2517859506, ClinGen allele CA411670328.
Genomic context (GRCh38, chr22:40,435,536, plus strand): 5'-GAGGGGGAAAAAAGGTACCTTACCCTGGCCCGCTCCAAGCTCCTTCTCTGCTCATGAAAT[G>T]CGGCTGGACTTTTCAAAGCTGTTGAGAGAAGAACCGTAAAGATTACCTTCAAGCGAAGCA-3'
Protein context (NP_065882.2, residues 99-119): GIMPPLKSPA[Ala109Glu]FHEQRRSLER

ClinVar aggregate classification (germline): Uncertain significance (1 of 4 stars; one submission).

Submission:

Labcorp Genetics (formerly Invitae), Labcorp
Classification: Uncertain significance. Last evaluated: 2023-11-27. Review status: criteria provided, single submitter. Criteria: Invitae Variant Classification Sherloc (09022015). Collection method: clinical testing. Allele origin: germline.
Comment: This sequence change replaces alanine, which is neutral and non-polar, with glutamic acid, which is acidic and polar, at codon 9 of the MKL1 protein (p.Ala9Glu). This variant is not present in population databases (gnomAD no frequency). This variant has not been reported in the literature in individuals affected with MKL1-related conditions. An algorithm developed to predict the effect of missense changes on protein structure and function (PolyPhen-2) suggests that this variant is likely to be disruptive. In summary, the available evidence is currently insufficient to determine the role of this variant in disease. Therefore, it has been classified as a Variant of Uncertain Significance.